The following is an entry in ClinVar:

NM_006415.4(SPTLC1):c.760A>G (p.Ile254Val)

Gene: SPTLC1 (serine palmitoyltransferase long chain base subunit 1; minus strand). Cytogenetic location: 9q22.31.
Variant type: single nucleotide variant.
Coding change: c.760A>G on transcript NM_006415.4 (MANE Select); coding-DNA position 760, A replaced by G.
Protein change: p.Ile254Val; replaces isoleucine 254 with valine.
Molecular consequence: missense variant.
Genome position (GRCh38, 1-based): chr9:92,055,425, T>C on the plus strand (A>G on the coding strand, the complement: SPTLC1 is on the minus strand). VCF-style: chr9-92055425-T-C. GRCh37 (hg19) VCF-style: chr9-94817707-T-C.
Other names: c.760A>G, p.Ile254Val (NM_001281303.2); c.394A>G, p.Ile132Val (NM_001368272.1); c.295A>G, p.Ile99Val (NM_001368273.1); short protein forms I132V, I99V, I254V.
Identifiers: ClinVar variation 1759778 (VCV001759778.2), dbSNP rs1355123398, ClinGen allele CA373795091.

ClinVar aggregate classification (germline): Uncertain significance (1 of 4 stars; one submission).

Conditions:
Inborn genetic diseases. Identifiers: MedGen C0950123, MeSH D030342.

Allele frequency attached by ClinVar (database versions not stated): gnomAD 0.00002; gnomAD exomes below 0.00001; TOPMed 0.00001.
gnomAD v4.1: 8 of 1,613,604 alleles (0.0005%); highest among the groups gnomAD compares: African/African-American, 0.0027%; no homozygotes.

Submission:

Ambry Genetics
Classification: Uncertain significance for Inborn genetic diseases. Last evaluated: 2020-01-29. Review status: criteria provided, single submitter. Criteria: Ambry Variant Classification Scheme 2023. Collection method: clinical testing. Allele origin: germline.
Comment: The p.I254V variant (also known as c.760A>G), located in coding exon 8 of the SPTLC1 gene, results from an A to G substitution at nucleotide position 760. The isoleucine at codon 254 is replaced by valine, an amino acid with highly similar properties. This amino acid position is not well conserved in available vertebrate species, and valine is the reference amino acid in other vertebrate species. In addition, this alteration is predicted to be tolerated by in silico analysis. Since supporting evidence is limited at this time, the clinical significance of this alteration remains unclear.